The following is an entry in ClinVar:

NM_002485.5(NBN):c.1234_1235del (p.Ser411_Asn412insTer)

Gene: NBN (nibrin; minus strand). Cytogenetic location: 8q21.3.
Variant type: Deletion.
Coding change: c.1234_1235del on transcript NM_002485.5 (MANE Select); coding-DNA positions 1234 to 1235, 2 bases deleted (AA; older notation c.1234_1235delAA).
Protein change: p.Ser411_Asn412insTer.
Molecular consequence: nonsense.
Genome position (GRCh38, 1-based): chr8:89,955,445-89,955,446, TT deleted on the plus strand (AA on the coding strand, the reverse complement: NBN is on the minus strand). VCF-style (leftmost placement, unchanged base first): chr8-89955444-ATT-A. GRCh37 (hg19) VCF-style: chr8-90967672-ATT-A.
Other names: c.988_989del, p.Ser329_Asn330insTer (NM_001024688.3).
Identifiers: ClinVar variation 1075267 (VCV001075267.10), dbSNP rs2129720196, ClinGen allele CA2499219427.

ClinVar aggregate classification (germline): Pathogenic/Likely pathogenic. Review status: criteria provided, multiple submitters, no conflicts (2 of 4 stars). 3 submissions from 3 submitters: Pathogenic (2); Likely pathogenic (1). Last evaluated 2023-02-13.

Conditions:
Hereditary cancer-predisposing syndrome. Also called: Neoplastic Syndromes, Hereditary; Hereditary neoplastic syndrome; Tumor predisposition; Hereditary Cancer Syndrome. Identifiers: Orphanet 140162, MedGen C0027672, MeSH D009386, MONDO:0015356.
Microcephaly, normal intelligence and immunodeficiency (NBS). Also called: SEEMANOVA SYNDROME II; Immunodeficiency, microcephaly with normal intelligence; IMMUNODEFICIENCY, MICROCEPHALY, AND CHROMOSOMAL INSTABILITY; Ataxia telangiectasia variant V1; BERLIN BREAKAGE SYNDROME; Nijmegen breakage syndrome. Identifiers: Orphanet 647, MedGen C0398791, MONDO:0009623, OMIM 251260.
Aplastic anemia. Identifiers: Orphanet 182040, Orphanet 88, MedGen C0002874, MONDO:0015909, OMIM 609135, HP:0001915.

Allele frequency attached by ClinVar (database versions not stated): gnomAD exomes below 0.00001.

Submissions (3):

Labcorp Genetics (formerly Invitae), Labcorp
Classification: Pathogenic for Microcephaly, normal intelligence and immunodeficiency. Last evaluated: 2023-02-13. Review status: criteria provided, single submitter. Criteria: Invitae Variant Classification Sherloc (09022015). Collection method: clinical testing. Allele origin: germline.
Comment: This sequence change creates a premature translational stop signal (p.Asn412*) in the NBN gene. It is expected to result in an absent or disrupted protein product. Loss-of-function variants in NBN are known to be pathogenic (PMID: 9590180, 16415040). This variant is not present in population databases (gnomAD no frequency). This variant has not been reported in the literature in individuals affected with NBN-related conditions. ClinVar contains an entry for this variant (Variation ID: 1075267). For these reasons, this variant has been classified as Pathogenic.

Baylor Genetics
Classification: Likely pathogenic for Aplastic anemia. Last evaluated: 2022-08-24. Review status: criteria provided, single submitter. Criteria: ACMG Guidelines, 2015. Collection method: clinical testing. Allele origin: unknown.

Ambry Genetics
Classification: Pathogenic for Hereditary cancer-predisposing syndrome. Last evaluated: 2021-10-19. Review status: criteria provided, single submitter. Criteria: Ambry Variant Classification Scheme 2023. Collection method: clinical testing. Allele origin: germline.
Comment: The c.1234_1235delAA pathogenic mutation, located in coding exon 10 of the NBN gene, results from a deletion of two nucleotides at nucleotide positions 1234 to 1235, causing a translational frameshift with a predicted alternate stop codon (p.N412*). This variant is considered to be rare based on population cohorts in the Genome Aggregation Database (gnomAD). This alteration is expected to result in loss of function by premature protein truncation or nonsense-mediated mRNA decay. As such, this alteration is interpreted as a disease-causing mutation.

Literature cited by the submitters: PubMed 9590180 (cited by Labcorp Genetics (formerly Invitae), Labcorp); PubMed 16415040 (cited by Labcorp Genetics (formerly Invitae), Labcorp).